The following is an entry in ClinVar:

ClinVar aggregate classification (germline): Uncertain significance (1 of 4 stars; one submission).

Conditions:
Hereditary cancer-predisposing syndrome. Also called: Hereditary neoplastic syndrome; Neoplastic Syndromes, Hereditary; Tumor predisposition; Hereditary Cancer Syndrome. Identifiers: Orphanet 140162, MedGen C0027672, MeSH D009386, MONDO:0015356.

Submission:

Ambry Genetics
Classification: Uncertain significance for Hereditary cancer-predisposing syndrome. Last evaluated: 2025-03-07. Review status: criteria provided, single submitter. Criteria: Ambry Variant Classification Scheme 2023. Collection method: clinical testing. Allele origin: germline.
Comment: The p.F205Y variant (also known as c.614T>A), located in coding exon 5 of the BRIP1 gene, results from a T to A substitution at nucleotide position 614. The phenylalanine at codon 205 is replaced by tyrosine, an amino acid with highly similar properties. This amino acid position is conserved. In addition, this alteration is predicted to be tolerated by in silico analysis. Based on the available evidence, the clinical significance of this variant remains unclear.

NM_032043.3(BRIP1):c.614T>A (p.Phe205Tyr)

Gene: BRIP1 (BRCA1 interacting DNA helicase 1; minus strand). Cytogenetic location: 17q23.2.
Variant type: single nucleotide variant.
Coding change: c.614T>A on transcript NM_032043.3 (MANE Select); coding-DNA position 614, T replaced by A.
Protein change: p.Phe205Tyr; replaces phenylalanine 205 with tyrosine.
Molecular consequence: missense variant.
Genome position (GRCh38, 1-based): chr17:61,847,114, A>T on the plus strand (T>A on the coding strand, the complement: BRIP1 is on the minus strand). VCF-style: chr17-61847114-A-T. GRCh37 (hg19) VCF-style: chr17-59924475-A-T.
Other names: short protein forms F205Y.
Identifiers: ClinVar variation 3825707 (VCV003825707.1).